The following is an entry in ClinVar:

NM_212482.4(FN1):c.7004G>A (p.Arg2335Lys)

Genes: ATIC (5-aminoimidazole-4-carboxamide ribonucleotide formyltransferase/IMP cyclohydrolase; plus strand), FN1 (fibronectin 1; minus strand). Cytogenetic location: 2q35.
Variant type: single nucleotide variant.
Coding change: c.7004G>A on transcript NM_212482.4 (MANE Select); coding-DNA position 7004, G replaced by A.
Protein change: p.Arg2335Lys; replaces arginine 2335 with lysine.
Molecular consequence: missense variant.
Genome position (GRCh38, 1-based): chr2:215,367,877, C>T on the plus strand (G>A on the coding strand, the complement: FN1 is on the minus strand). VCF-style: chr2-215367877-C-T. GRCh37 (hg19) VCF-style: chr2-216232600-C-T.
Other names: c.6731G>A, p.Arg2244Lys (NM_001365518.2); c.6659G>A, p.Arg2220Lys (NM_001365519.2); c.6656G>A, p.Arg2219Lys (NM_001365520.2); c.6641G>A, p.Arg2214Lys (NM_001365521.2); c.6566G>A, p.Arg2189Lys (NM_001365522.2); c.6386G>A, p.Arg2129Lys (NM_001365523.2); c.6371G>A, p.Arg2124Lys (NM_001365524.2); c.6638G>A, p.Arg2213Lys (NM_002026.4); and 8 more; short protein forms R2123K, R2188K, R2213K, R2245K, R2125K, R2214K, R2219K, R2220K.
Identifiers: ClinVar variation 1373293 (VCV001373293.6), dbSNP rs2106183242, ClinGen allele CA350463432.
Genomic context (GRCh38, chr2:215,367,877, plus strand): 5'-CTTGAGGAGACAAACACGGAAGTGGATGGACAAAGCAACTACTCACTAGATGAATCACAT[C>T]TGAAATGACCACTTCCAAAGCCTAAGCACTGGCACAACAGTTTAAAGCCTGATTCAGACA-3'
Protein context (NP_997647.2, residues 2325-2345): QCLGFGSGHF[Arg2335Lys]CDSSRWCHDN

ClinVar aggregate classification (germline): Uncertain significance (1 of 4 stars; one submission).

Submission:

Labcorp Genetics (formerly Invitae), Labcorp
Classification: Uncertain significance. Last evaluated: 2024-01-22. Review status: criteria provided, single submitter. Criteria: Invitae Variant Classification Sherloc (09022015). Collection method: clinical testing. Allele origin: germline.
Comment: This sequence change replaces arginine with lysine at codon 2335 of the FN1 protein (p.Arg2335Lys). The arginine residue is highly conserved and there is a small physicochemical difference between arginine and lysine. This variant is not present in population databases (gnomAD no frequency). This variant has not been reported in the literature in individuals affected with FN1-related conditions. ClinVar contains an entry for this variant (Variation ID: 1373293). Algorithms developed to predict the effect of missense changes on protein structure and function output the following: SIFT: "Not Available"; PolyPhen-2: "Benign"; Align-GVGD: "Not Available". The lysine amino acid residue is found in multiple mammalian species, which suggests that this missense change does not adversely affect protein function. In summary, the available evidence is currently insufficient to determine the role of this variant in disease. Therefore, it has been classified as a Variant of Uncertain Significance.